The following is an entry in ClinVar:

ClinVar aggregate classification (germline): Uncertain significance. Review status: criteria provided, multiple submitters, no conflicts (2 of 4 stars). 2 submissions from 2 submitters: Uncertain significance (2). Last evaluated 2024-07-19.

Conditions:
Intellectual developmental disorder, X-linked, syndromic, Hedera type. Also called: Syndromic X-linked intellectual disability Hedera type. Identifiers: Orphanet 93952, MedGen C1845543, MONDO:0010319, OMIM 300423.

gnomAD v4.1: 2 of 1,210,897 alleles (0.00017%); highest among the groups gnomAD compares: Admixed American, 0.0043%; no homozygotes.

Submissions (2):

GeneDx
Classification: Uncertain significance. Last evaluated: 2024-07-19. Review status: criteria provided, single submitter. Criteria: GeneDx Variant Classification Process June 2021. Collection method: clinical testing. Allele origin: germline. Affected: yes.
Comment: Not observed at significant frequency in large population cohorts (gnomAD); In silico analysis supports that this missense variant does not alter protein structure/function; Has not been previously published as pathogenic or benign to our knowledge

Labcorp Genetics (formerly Invitae), Labcorp
Classification: Uncertain significance for Intellectual developmental disorder, X-linked, syndromic, Hedera type. Last evaluated: 2023-09-15. Review status: criteria provided, single submitter. Criteria: Invitae Variant Classification Sherloc (09022015). Collection method: clinical testing. Allele origin: germline.
Comment: This sequence change replaces valine, which is neutral and non-polar, with leucine, which is neutral and non-polar, at codon 78 of the ATP6AP2 protein (p.Val78Leu). This variant is not present in population databases (gnomAD no frequency). This variant has not been reported in the literature in individuals affected with ATP6AP2-related conditions. ClinVar contains an entry for this variant (Variation ID: 204916). Advanced modeling of protein sequence and biophysical properties (such as structural, functional, and spatial information, amino acid conservation, physicochemical variation, residue mobility, and thermodynamic stability) performed at Invitae indicates that this missense variant is not expected to disrupt ATP6AP2 protein function. In summary, the available evidence is currently insufficient to determine the role of this variant in disease. Therefore, it has been classified as a Variant of Uncertain Significance.

NM_005765.3(ATP6AP2):c.232G>T (p.Val78Leu)

Gene: ATP6AP2 (ATPase H+ transporting accessory protein 2; plus strand). Cytogenetic location: Xp11.4.
Variant type: single nucleotide variant.
Coding change: c.232G>T on transcript NM_005765.3 (MANE Select); coding-DNA position 232, G replaced by T.
Protein change: p.Val78Leu; replaces valine 78 with leucine.
Molecular consequence: missense variant.
Genome position (GRCh38, 1-based): chrX:40,591,297, G>T. VCF-style: chrX-40591297-G-T. GRCh37 (hg19) VCF-style: chrX-40450549-G-T.
Other names: p.V78L:GTG>TTG; short protein forms V78L.
Identifiers: ClinVar variation 204916 (VCV000204916.6), dbSNP rs796052283, ClinGen allele CA313361.